The following is an entry in ClinVar:

NM_015450.3(POT1):c.1594+41T>A

Gene: POT1 (protection of telomeres 1; minus strand). Cytogenetic location: 7q31.33.
Variant type: single nucleotide variant.
Coding change: c.1594+41T>A on transcript NM_015450.3 (MANE Select); 41 bases into the intron after coding-DNA position 1594, T replaced by A.
Molecular consequence: intron variant.
Genome position (GRCh38, 1-based): chr7:124,829,213, A>T on the plus strand (T>A on the coding strand, the complement: POT1 is on the minus strand). VCF-style: chr7-124829213-A-T. GRCh37 (hg19) VCF-style: chr7-124469267-A-T.
Other names: c.1201+41T>A (NM_001042594.2).
Identifiers: ClinVar variation 677017 (VCV000677017.2), dbSNP rs10263573, ClinGen allele CA4465063.

ClinVar aggregate classification (germline): Benign. Review status: criteria provided, multiple submitters, no conflicts (2 of 4 stars). 2 submissions from 2 submitters: Benign (2). Last evaluated 2018-06-12.

Allele frequency attached by ClinVar (database versions not stated): ESP Exome Variant Server 0.38944; TOPMed 0.39533; gnomAD exomes 0.39763 and 0.41478; gnomAD 0.39783 and 0.39788; ExAC 0.41072; 1000 Genomes Project 30x 0.41849; 1000 Genomes Project 0.41893.
gnomAD v4.1: 542,927 of 1,363,722 alleles (40%); highest among the groups gnomAD compares: East Asian, 48%; 109,489 homozygotes.

Submissions (2):

GeneDx
Classification: Benign. Last evaluated: 2018-06-12. Review status: criteria provided, single submitter. Criteria: GeneDx Variant Classification (06012015). Collection method: clinical testing. Allele origin: germline. Affected: yes.
Comment: This variant is considered likely benign or benign based on one or more of the following criteria: it is a conservative change, it occurs at a poorly conserved position in the protein, it is predicted to be benign by multiple in silico algorithms, and/or has population frequency not consistent with disease.

Breakthrough Genomics
Classification: Benign. Review status: criteria provided, single submitter. Criteria: ACMG Guidelines, 2015. Collection method: not provided. Allele origin: germline. Inheritance: Autosomal dominant inheritance. Affected: yes.